The following is an entry in ClinVar:

NM_198578.4(LRRK2):c.1721del (p.Pro574fs)

Gene: LRRK2 (leucine rich repeat kinase 2; plus strand). Cytogenetic location: 12q12.
Variant type: Deletion.
Coding change: c.1721del on transcript NM_198578.4 (MANE Select); coding-DNA position 1721, one base deleted (C; older notation c.1721delC).
Protein change: p.Pro574fs; shifts the reading frame from proline 574.
Molecular consequence: frameshift variant.
Genome position (GRCh38, 1-based): chr12:40,274,647, C deleted; the last of 2 consecutive C bases (chr12:40,274,646-40,274,647); deleting either gives the same sequence. VCF-style (leftmost placement, unchanged base first): chr12-40274645-TC-T. GRCh37 (hg19) VCF-style: chr12-40668447-TC-T.
Other names: short protein forms P574fs.
Identifiers: ClinVar variation 930781 (VCV000930781.3), dbSNP rs1943372260, ClinGen allele CA1139662582.

ClinVar aggregate classification (germline): Uncertain significance (1 of 4 stars; one submission).

Conditions:
Autosomal dominant Parkinson disease 8. Also called: Parkinson disease 8, susceptibility to; LRRK2-Related Parkinson Disease; Parkinson disease 8. Identifiers: Orphanet 411602, MedGen C1846862, MONDO:0011764, OMIM 607060.

Submission:

Centre for Mendelian Genomics, University Medical Centre Ljubljana
Classification: Uncertain significance for Autosomal dominant Parkinson disease 8. Last evaluated: 2019-12-19. Review status: criteria provided, single submitter. Criteria: ACMG Guidelines, 2015. Collection method: clinical testing. Allele origin: unknown. Affected: yes.
Comment: This variant was classified as: Uncertain significance. The available evidence on this variant's pathogenicity is insufficient or conflicting. The following ACMG criteria were applied in classifying this variant: PM2.